The following is an entry in ClinVar:

ClinVar aggregate classification (germline): Uncertain significance (1 of 4 stars; one submission).

Allele frequency attached by ClinVar (database versions not stated): ExAC 0.00001; gnomAD 0.00002; gnomAD exomes 0.00002; TOPMed 0.00002.
gnomAD v4.1: 28 of 1,613,796 alleles (0.0017%); highest among the groups gnomAD compares: East Asian, 0.0022%; no homozygotes.

Submission:

Labcorp Genetics (formerly Invitae), Labcorp
Classification: Uncertain significance. Last evaluated: 2022-11-20. Review status: criteria provided, single submitter. Criteria: Invitae Variant Classification Sherloc (09022015). Collection method: clinical testing. Allele origin: germline.
Comment: In summary, the available evidence is currently insufficient to determine the role of this variant in disease. Therefore, it has been classified as a Variant of Uncertain Significance. Advanced modeling of protein sequence and biophysical properties (such as structural, functional, and spatial information, amino acid conservation, physicochemical variation, residue mobility, and thermodynamic stability) performed at Invitae indicates that this missense variant is not expected to disrupt TCF12 protein function. This variant has not been reported in the literature in individuals affected with TCF12-related conditions. This variant is present in population databases (rs547538579, gnomAD 0.02%). This sequence change replaces arginine, which is basic and polar, with glutamine, which is neutral and polar, at codon 439 of the TCF12 protein (p.Arg439Gln).

NM_207037.2(TCF12):c.1316G>A (p.Arg439Gln)

Gene: TCF12 (transcription factor 12; plus strand). Cytogenetic location: 15q21.3.
Variant type: single nucleotide variant.
Coding change: c.1316G>A on transcript NM_207037.2 (MANE Select); coding-DNA position 1316, G replaced by A.
Protein change: p.Arg439Gln; replaces arginine 439 with glutamine.
Molecular consequence: missense variant.
Genome position (GRCh38, 1-based): chr15:57,253,317, G>A. VCF-style: chr15-57253317-G-A. GRCh37 (hg19) VCF-style: chr15-57545515-G-A.
Other names: c.806G>A, p.Arg269Gln (NM_001306219.3); c.1280G>A, p.Arg427Gln (NM_001322164.2); c.1244G>A, p.Arg415Gln (NM_001322165.2, NM_003205.4, NM_207038.2 and 1 more transcripts); c.1316G>A, p.Arg439Gln (NM_207036.2, NM_001322151.2, NM_001322152.2 and 2 more transcripts); c.734G>A, p.Arg245Gln (NM_207040.2); c.536G>A, p.Arg179Gln (NM_001306220.3); c.659G>A, p.Arg220Gln (NM_001322154.2); c.1142G>A, p.Arg381Gln (NM_001322156.2); and 2 more; short protein forms R269Q, R381Q, R415Q, R427Q, R439Q, R357Q, R245Q, R179Q.
Identifiers: ClinVar variation 2956127 (VCV002956127.3), dbSNP rs547538579, ClinGen allele CA7581233.